The following is an entry in ClinVar:

NM_023110.3(FGFR1):c.2008G>A (p.Glu670Lys)

Gene: FGFR1 (fibroblast growth factor receptor 1; minus strand). Cytogenetic location: 8p11.23.
Variant type: single nucleotide variant.
Coding change: c.2008G>A on transcript NM_023110.3 (MANE Select); coding-DNA position 2008, G replaced by A.
Protein change: p.Glu670Lys; replaces glutamic acid 670 with lysine.
Molecular consequence: missense variant.
Genome position (GRCh38, 1-based): chr8:38,414,599, C>T on the plus strand (G>A on the coding strand, the complement: FGFR1 is on the minus strand). VCF-style: chr8-38414599-C-T. GRCh37 (hg19) VCF-style: chr8-38272117-C-T.
Other names: c.2002G>A, p.Glu668Lys (NM_001174063.2, NM_001174065.2, NM_001354367.2 and 1 more transcripts); c.1978G>A, p.Glu660Lys (NM_001174064.2); c.1741G>A, p.Glu581Lys (NM_001174066.2, NM_023105.3); c.2101G>A, p.Glu701Lys (NM_001174067.2); c.1729G>A, p.Glu577Lys (NM_001354368.2); c.1996G>A, p.Glu666Lys (NM_001354369.2); c.1735G>A, p.Glu579Lys (NM_001354370.2, NM_023106.3); short protein forms E670K, E579K, E666K, E701K, E577K, E660K, E581K, E668K.
Identifiers: ClinVar variation 50852 (VCV000050852.8), dbSNP rs397515446, ClinGen allele CA143804.

ClinVar aggregate classification (germline): Pathogenic/Likely pathogenic. Review status: criteria provided, multiple submitters, no conflicts (2 of 4 stars). 7 submissions from 7 submitters: Pathogenic (4); Likely pathogenic (1). 2 of the submissions do not count toward it. Last evaluated 2025-11-22.

Conditions:
Pfeiffer syndrome (ACS5). Also called: ACS V. Identifiers: Orphanet 710, MedGen C0220658, MONDO:0007043, OMIM 101600.
Hypogonadotropic hypogonadism 2 with or without anosmia (HH2). Also called: FGFR1-Related GnRH Deficiency (Kallmann Syndrome 2); HYPOGONADOTROPIC HYPOGONADISM 2 WITHOUT ANOSMIA; HYPOGONADOTROPIC HYPOGONADISM 2 WITH OR WITHOUT ANOSMIA, SUSCEPTIBILITY TO; HYPOGONADOTROPIC HYPOGONADISM 2 WITHOUT ANOSMIA, SUSCEPTIBILITY TO. Identifiers: Orphanet 478, MedGen C1563720, MONDO:0007844, OMIM 147950. Disease mechanism: loss of function.
FGFR1-related disorder. Also called: FGFR1-related disorders; FGFR1-related condition. Identifiers: MedGen CN380097.
Inborn genetic diseases. Identifiers: MedGen C0950123, MeSH D030342.
Hypogonadotropic hypogonadism 2 with anosmia. Identifiers: MedGen C4016104.

Submissions (7):

Labcorp Genetics (formerly Invitae), Labcorp
Classification: Pathogenic for Pfeiffer syndrome; Hypogonadotropic hypogonadism 2 with or without anosmia. Last evaluated: 2025-11-22. Review status: criteria provided, single submitter. Criteria: Invitae Variant Classification Sherloc (09022015). Collection method: clinical testing. Allele origin: germline.
Comment: This sequence change replaces glutamic acid, which is acidic and polar, with lysine, which is basic and polar, at codon 670 of the FGFR1 protein (p.Glu670Lys). This variant is not present in population databases (gnomAD no frequency). This missense change has been observed in individual(s) with Kallmann syndrome (PMID: 23533228, 31200363, 32520725). In at least one individual the variant was observed to be de novo. ClinVar contains an entry for this variant (Variation ID: 50852). Invitae Evidence Modeling of protein sequence and biophysical properties (such as structural, functional, and spatial information, amino acid conservation, physicochemical variation, residue mobility, and thermodynamic stability) indicates that this missense variant is expected to disrupt FGFR1 protein function with a positive predictive value of 80%. For these reasons, this variant has been classified as Pathogenic.

Ambry Genetics
Classification: Pathogenic for Inborn genetic diseases. Last evaluated: 2025-08-21. Review status: criteria provided, single submitter. Criteria: Ambry Variant Classification Scheme 2023. Collection method: clinical testing. Allele origin: germline.
Comment: The c.2008G>A (p.E670K) alteration is located in exon 15 (coding exon 14) of the FGFR1 gene. This alteration results from a G to A substitution at nucleotide position 2008, causing the glutamic acid (E) at amino acid position 670 to be replaced by a lysine (K). This variant was not reported in population-based cohorts in the Genome Aggregation Database (gnomAD). This variant was reported in individuals with features consistent with FGFR1-related hypogonadotropic hypogonadism; in at least one individual, it was determined to be de novo (Francou, 2011; Costa-Barbosa, 2013; Amato, 2019; Hou, 2020; Ying, 2020; Nie, 2021; Federici, 2022; Liu, 2022). This amino acid position is highly conserved in available vertebrate species. In multiple assays testing FGFR1 function, this variant showed functionally abnormal results (Ying, 2020). This alteration is predicted to be deleterious by in silico analysis. Based on the available evidence, this alteration is classified as pathogenic.

3billion
Classification: Likely pathogenic for FGFR1-related disorder. Last evaluated: 2025-06-25. Review status: criteria provided, single submitter. Criteria: ACMG Guidelines, 2015. Collection method: clinical testing. Allele origin: germline. Affected: yes.
Comment: The variant is not observed in the gnomAD v4.1.0 dataset. Predicted Consequence/Location: Missense variant In silico tool predictions suggest damaging effect of the variant on gene or gene product [REVEL: 0.92 (>=0.6, sensitivity 0.68 and specificity 0.92); 3Cnet: 0.99 (> 0.75, sensitivity 0.96 and precision 0.92)]. The same nucleotide change resulting in the same amino acid change has been previously reported as pathogenic/likely pathogenic with strong evidence (ClinVar ID: VCV000050852). Therefore, this variant is classified as Likely pathogenic according to the recommendation of ACMG/AMP guideline.

Reproductive Endocrine Unit, Massachusetts General Hospital
Classification: Pathogenic for Hypogonadotropic hypogonadism 2 with or without anosmia. Last evaluated: 2023-05-04. Review status: criteria provided, single submitter. Criteria: ACMG Guidelines, 2015. Collection method: research. Allele origin: unknown, inherited, de novo. Affected: yes. Observed: 3 variant alleles.
Comment: The variant has been classified as P2 based on the variant meeting the following ACMG Criteria: PS2,PM2,PP3,PP1,PP2,PP4.

Blueprint Genetics
Classification: Pathogenic for FGFR1-related disorders. Last evaluated: 2021-04-30. Review status: criteria provided, single submitter. Criteria: ACMG Guidelines, 2015. Collection method: clinical testing. Allele origin: germline. Affected: yes. Observed: 2 variant alleles.

PreventionGenetics, part of Exact Sciences
Classification: Pathogenic for FGFR1-related condition. Last evaluated: 2024-08-07. Review status: no assertion criteria provided. Collection method: clinical testing. Allele origin: germline. Not counted in ClinVar's aggregate classification.
Comment: The FGFR1 c.2008G>A variant is predicted to result in the amino acid substitution p.Glu670Lys. This variant has been reported in several individuals with Kallmann syndrome or hypogonadotropic hypogonadism (see, for example, Costa-Barbosa et al. 2013. PubMed ID: 23533228; Miraoui et al. 2013. PubMed ID: 23643382; Nie et al. 2021. PubMed ID: 33548149). It occurred de novo in multiple individuals (Hou et al. 2020. PubMed ID: 32520725; Ying et al. 2020. PubMed ID: 33299522; Liu et al. 2022. PubMed ID: 35090434). In vitro functional studies showed that this variant induces posttranslational modification defects, leading to impairment of the receptor and abnormal signaling (Ying et al. 2020. PubMed ID: 33299522). This variant has not been reported in a large population database, indicating it is rare. Another variant affecting the same amino acid (p.Glu670Ala) has also been reported in individuals with hypogonadotropic hypogonadism (Laitinen et al. 2011. PubMed ID: 21682876). This variant is interpreted as pathogenic.

OMIM
Classification: risk factor for HYPOGONADOTROPIC HYPOGONADISM 2 WITH ANOSMIA, SUSCEPTIBILITY TO. Last evaluated: 2013-05-02. Review status: no assertion criteria provided. Collection method: literature only. Allele origin: germline. Not counted in ClinVar's aggregate classification.

Literature cited by the submitters: PubMed 23533228 (cited by Labcorp Genetics (formerly Invitae), Labcorp and Ambry Genetics); PubMed 31200363 (cited by Labcorp Genetics (formerly Invitae), Labcorp and Ambry Genetics); PubMed 32520725 (cited by Labcorp Genetics (formerly Invitae), Labcorp and Ambry Genetics); PubMed 22031817 (cited by Ambry Genetics); PubMed 33299522 (cited by Ambry Genetics); PubMed 33548149 (cited by Ambry Genetics); PubMed 35090434 (cited by Ambry Genetics); PubMed 36531499 (cited by Ambry Genetics); PubMed 23643382 (cited by OMIM).